The following is an entry in ClinVar:

NM_030665.4(RAI1):c.3543C>T (p.Ser1181=)

Gene: RAI1 (retinoic acid induced 1; plus strand). Cytogenetic location: 17p11.2.
Variant type: single nucleotide variant.
Coding change: c.3543C>T on transcript NM_030665.4 (MANE Select); coding-DNA position 3543, C replaced by T.
Protein change: p.Ser1181=; no amino-acid change (serine 1181 retained).
Molecular consequence: synonymous variant.
Genome position (GRCh38, 1-based): chr17:17,796,491, C>T. VCF-style: chr17-17796491-C-T. GRCh37 (hg19) VCF-style: chr17-17699805-C-T.
Identifiers: ClinVar variation 586397 (VCV000586397.25), dbSNP rs773430101, ClinGen allele CA8418748.

ClinVar aggregate classification (germline): Likely benign. Review status: criteria provided, multiple submitters, no conflicts (2 of 4 stars). 7 submissions from 7 submitters: Likely benign (6). 1 of the submissions does not count toward it. Last evaluated 2025-12-22.

Conditions:
RAI1-related disorder. Also called: RAI1-related condition.
Inborn genetic diseases. Identifiers: MedGen C0950123, MeSH D030342.

Allele frequency attached by ClinVar (database versions not stated): ExAC 0.00002; gnomAD exomes 0.00002; gnomAD 0.00003 and 0.00004; TOPMed 0.00006.
gnomAD v4.1: 17 of 1,610,912 alleles (0.0011%); highest among the groups gnomAD compares: Admixed American, 0.028%; no homozygotes.

Submissions (7):

Labcorp Genetics (formerly Invitae), Labcorp
Classification: Likely benign. Last evaluated: 2025-12-22. Review status: criteria provided, single submitter. Criteria: Invitae Variant Classification Sherloc (09022015). Collection method: clinical testing. Allele origin: germline.

CeGaT Center for Human Genetics Tuebingen
Classification: Likely benign. Last evaluated: 2025-03-01. Review status: criteria provided, single submitter. Criteria: CeGaT Center For Human Genetics Tuebingen Variant Classification Criteria Version 2. Collection method: clinical testing. Allele origin: germline. Affected: yes. Observed: 1 variant allele.
Comment: RAI1: BP4, BP7

Blueprint Genetics
Classification: Likely benign. Last evaluated: 2020-12-15. Review status: criteria provided, single submitter. Criteria: ACMG Guidelines, 2015. Collection method: clinical testing. Allele origin: germline.

GeneDx
Classification: Likely benign. Last evaluated: 2020-01-17. Review status: criteria provided, single submitter. Criteria: GeneDx Variant Classification Process June 2021. Collection method: clinical testing. Allele origin: germline. Affected: yes.

Ambry Genetics
Classification: Likely benign for Inborn genetic diseases. Last evaluated: 2018-05-18. Review status: criteria provided, single submitter. Criteria: Ambry Variant Classification Scheme 2023. Collection method: clinical testing. Allele origin: germline.

Athena Diagnostics
Classification: Likely benign. Last evaluated: 2018-01-26. Review status: criteria provided, single submitter. Criteria: Athena Diagnostics Criteria. Collection method: clinical testing. Allele origin: germline.

PreventionGenetics, part of Exact Sciences
Classification: Likely benign for RAI1-related condition. Last evaluated: 2022-12-14. Review status: no assertion criteria provided. Collection method: clinical testing. Allele origin: germline. Not counted in ClinVar's aggregate classification.
Comment: This variant is classified as likely benign based on ACMG/AMP sequence variant interpretation guidelines (Richards et al. 2015 PMID: 25741868, with internal and published modifications).